The following is an entry in ClinVar:

NM_013436.5(NCKAP1):c.1004+1G>A

Gene: NCKAP1 (NCK associated protein 1; minus strand). Cytogenetic location: 2q32.1.
Variant type: single nucleotide variant.
Coding change: c.1004+1G>A on transcript NM_013436.5 (MANE Select); the canonical splice donor site of the intron after coding-DNA position 1004, G replaced by A.
Molecular consequence: splice donor variant.
Genome position (GRCh38, 1-based): chr2:182,986,170, C>T on the plus strand (G>A on the coding strand, the complement: NCKAP1 is on the minus strand). VCF-style: chr2-182986170-C-T. GRCh37 (hg19) VCF-style: chr2-183850898-C-T.
Other names: c.1022+1G>A (NM_205842.3).
Identifiers: ClinVar variation 4056304 (VCV004056304.1).

ClinVar aggregate classification (germline): Pathogenic (1 of 4 stars; one submission).

Conditions:
Neurodevelopmental disorder. Identifiers: MedGen C1535926, MeSH D065886, MONDO:0700092.

Submission:

Clinical Genetics Laboratory, Skane University Hospital Lund
Classification: Pathogenic for Neurodevelopmental disorder. Last evaluated: 2025-07-10. Review status: criteria provided, single submitter. Criteria: ACMG Guidelines, 2015. Collection method: clinical testing. Allele origin: de novo. Affected: yes.
Comment: ACMG criteria applied: PVS1, PS2_Moderate, PM2